The following is an entry in ClinVar:

ClinVar aggregate classification (germline): Uncertain significance. Review status: criteria provided, multiple submitters, no conflicts (2 of 4 stars). 2 submissions from 2 submitters: Uncertain significance (2). Last evaluated 2025-10-15.

Conditions:
Inborn genetic diseases. Identifiers: MedGen C0950123, MeSH D030342.
Aicardi-Goutieres syndrome 5. Identifiers: Orphanet 51, MedGen C2749659, MONDO:0013059, OMIM 612952.

gnomAD v4.1: 2 of 1,613,948 alleles (0.00012%); highest among the groups gnomAD compares: Admixed American, 0.0017%; no homozygotes.

Submissions (2):

Ambry Genetics
Classification: Uncertain significance for Inborn genetic diseases. Last evaluated: 2025-10-15. Review status: criteria provided, single submitter. Criteria: Ambry Variant Classification Scheme 2023. Collection method: clinical testing. Allele origin: germline.

Labcorp Genetics (formerly Invitae), Labcorp
Classification: Uncertain significance for Aicardi-Goutieres syndrome 5. Last evaluated: 2024-05-22. Review status: criteria provided, single submitter. Criteria: Invitae Variant Classification Sherloc (09022015). Collection method: clinical testing. Allele origin: germline.
Comment: This sequence change replaces methionine, which is neutral and non-polar, with lysine, which is basic and polar, at codon 626 of the SAMHD1 protein (p.Met626Lys). This variant is present in population databases (no rsID available, gnomAD 0.003%). This variant has not been reported in the literature in individuals affected with SAMHD1-related conditions. ClinVar contains an entry for this variant (Variation ID: 1982881). Algorithms developed to predict the effect of missense changes on protein structure and function output the following: SIFT: "Not Available"; PolyPhen-2: "Benign"; Align-GVGD: "Not Available". The lysine amino acid residue is found in multiple mammalian species, which suggests that this missense change does not adversely affect protein function. In summary, the available evidence is currently insufficient to determine the role of this variant in disease. Therefore, it has been classified as a Variant of Uncertain Significance.

NM_015474.4(SAMHD1):c.1877T>A (p.Met626Lys)

Genes: SAMHD1 (SAM and HD domain containing deoxynucleoside triphosphate triphosphohydrolase 1; minus strand), TLDC2 (TBC/LysM-associated domain containing 2; plus strand). Cytogenetic location: 20q11.23.
Variant type: single nucleotide variant.
Coding change: c.1877T>A on transcript NM_015474.4 (MANE Select); coding-DNA position 1877, T replaced by A.
Protein change: p.Met626Lys; replaces methionine 626 with lysine.
Molecular consequence: missense variant. On other transcripts: 3 prime UTR variant (3).
Genome position (GRCh38, 1-based): chr20:36,892,936, A>T on the plus strand (T>A on the coding strand, the complement: SAMHD1 is on the minus strand). VCF-style: chr20-36892936-A-T. GRCh37 (hg19) VCF-style: chr20-35521339-A-T.
Other names: c.*92A>T (NM_001304783.1, NM_080628.3); c.1772T>A, p.Met591Lys (NM_001363729.2); c.*970T>A (NM_001363733.2); short protein forms M626K, M591K.
Identifiers: ClinVar variation 1982881 (VCV001982881.4), dbSNP rs1269278007, ClinGen allele CA408838151.